The following is an entry in ClinVar:

ClinVar aggregate classification (germline): Uncertain significance (1 of 4 stars; one submission).

Submission:

Labcorp Genetics (formerly Invitae), Labcorp
Classification: Uncertain significance. Last evaluated: 2024-04-10. Review status: criteria provided, single submitter. Criteria: Invitae Variant Classification Sherloc (09022015). Collection method: clinical testing. Allele origin: germline.
Comment: This sequence change creates a premature translational stop signal (p.Thr105Asnfs*13) in the CHCHD2 gene. It is expected to result in an absent or disrupted protein product. However, the current clinical and genetic evidence is not sufficient to establish whether loss-of-function variants in CHCHD2 cause disease. This variant is not present in population databases (gnomAD no frequency). This variant has not been reported in the literature in individuals affected with CHCHD2-related conditions. ClinVar contains an entry for this variant (Variation ID: 967469). In summary, the available evidence is currently insufficient to determine the role of this variant in disease. Therefore, it has been classified as a Variant of Uncertain Significance.

NM_016139.4(CHCHD2):c.311dup (p.Thr105fs)

Gene: CHCHD2 (coiled-coil-helix-coiled-coil-helix domain containing 2; minus strand). Cytogenetic location: 7p11.2.
Variant type: Duplication.
Coding change: c.311dup on transcript NM_016139.4 (MANE Select); coding-DNA position 311, one base duplicated (G; older notation c.311dupG).
Protein change: p.Thr105fs; shifts the reading frame from threonine 105.
Molecular consequence: frameshift variant.
Genome position (GRCh38, 1-based): chr7:56,103,001, C duplicated on the plus strand (G on the coding strand, the reverse complement: CHCHD2 is on the minus strand); the first of 3 consecutive C bases (chr7:56,103,001-56,103,003); duplicating any one gives the same sequence. VCF-style (leftmost placement, unchanged base first): chr7-56103000-T-TC. GRCh37 (hg19) VCF-style: chr7-56170693-T-TC.
Other names: c.311dup, p.Thr105fs (NM_001320327.2); short protein forms T105fs.
Identifiers: ClinVar variation 967469 (VCV000967469.7), dbSNP rs1785317481, ClinGen allele CA1139660074.